The following is an entry in ClinVar:

NM_005027.4(PIK3R2):c.240C>T (p.Pro80=)

Gene: PIK3R2 (phosphoinositide-3-kinase regulatory subunit 2; plus strand). Cytogenetic location: 19p13.11.
Variant type: single nucleotide variant.
Coding change: c.240C>T on transcript NM_005027.4 (MANE Select); coding-DNA position 240, C replaced by T.
Protein change: p.Pro80=; no amino-acid change (proline 80 retained).
Molecular consequence: synonymous variant. On other transcripts: non-coding transcript variant (2).
Genome position (GRCh38, 1-based): chr19:18,156,119, C>T. VCF-style: chr19-18156119-C-T. GRCh37 (hg19) VCF-style: chr19-18266929-C-T.
Identifiers: ClinVar variation 1674066 (VCV001674066.31), dbSNP rs370853734, ClinGen allele CA9306665.

ClinVar aggregate classification (germline): Likely benign. Review status: criteria provided, multiple submitters, no conflicts (2 of 4 stars). 2 submissions from 2 submitters: Likely benign (2). Last evaluated 2025-09-08.

Conditions:
Megalencephaly-polymicrogyria-postaxial polydactyly-hydrocephalus syndrome. Also called: MEG-PMG-MEGACC SYNDROME; MPPH Syndrome. Identifiers: Orphanet 83473, MedGen C1863924, MONDO:0019375.

Allele frequency attached by ClinVar (database versions not stated): ExAC 0.00007; TOPMed 0.00009; gnomAD exomes 0.00010; gnomAD 0.00013; ESP Exome Variant Server 0.00017; 1000 Genomes Project 30x 0.00031.
gnomAD v4.1: 371 of 1,539,814 alleles (0.024%); highest among the groups gnomAD compares: Non-Finnish European, 0.031%; no homozygotes.

Submissions (2):

Labcorp Genetics (formerly Invitae), Labcorp
Classification: Likely benign for Megalencephaly-polymicrogyria-postaxial polydactyly-hydrocephalus syndrome. Last evaluated: 2025-09-08. Review status: criteria provided, single submitter. Criteria: Invitae Variant Classification Sherloc (09022015). Collection method: clinical testing. Allele origin: germline.

CeGaT Center for Human Genetics Tuebingen
Classification: Likely benign. Last evaluated: 2025-09-01. Review status: criteria provided, single submitter. Criteria: CeGaT Center For Human Genetics Tuebingen Variant Classification Criteria Version 2. Collection method: clinical testing. Allele origin: germline. Affected: yes. Observed: 3 variant alleles.
Comment: PIK3R2: BP4, BP7